The following is an entry in ClinVar:

NM_004722.4(AP4M1):c.26C>T (p.Ser9Phe)

Gene: AP4M1 (adaptor related protein complex 4 subunit mu 1; plus strand). Cytogenetic location: 7q22.1.
Variant type: single nucleotide variant.
Coding change: c.26C>T on transcript NM_004722.4 (MANE Select); coding-DNA position 26, C replaced by T.
Protein change: p.Ser9Phe; replaces serine 9 with phenylalanine.
Molecular consequence: missense variant.
Genome position (GRCh38, 1-based): chr7:100,101,740, C>T. VCF-style: chr7-100101740-C-T. GRCh37 (hg19) VCF-style: chr7-99699363-C-T.
Other names: c.26C>T, p.Ser9Phe (NM_001363671.2); short protein forms S9F.
Identifiers: ClinVar variation 560945 (VCV000560945.9), dbSNP rs751068724, ClinGen allele CA4374376.

ClinVar aggregate classification (germline): Uncertain significance. Review status: criteria provided, multiple submitters, no conflicts (2 of 4 stars). 3 submissions from 3 submitters: Uncertain significance (3). Last evaluated 2026-01-24.

Conditions:
Hereditary spastic paraplegia 50 (SPG50). Also called: Spastic paraplegia 50, autosomal recessive. Identifiers: Orphanet 280763, MedGen C2752008, MONDO:0013048, OMIM 612936.

Allele frequency attached by ClinVar (database versions not stated): ExAC 0.00003; gnomAD 0.00001; TOPMed 0.00001; gnomAD exomes 0.00002.
gnomAD v4.1: 33 of 1,613,778 alleles (0.002%); highest among the groups gnomAD compares: East Asian, 0.0045%; no homozygotes.

Submissions (3):

Labcorp Genetics (formerly Invitae), Labcorp
Classification: Uncertain significance for Hereditary spastic paraplegia 50. Last evaluated: 2026-01-24. Review status: criteria provided, single submitter. Criteria: Invitae Variant Classification Sherloc (09022015). Collection method: clinical testing. Allele origin: germline.
Comment: This sequence change replaces serine, which is neutral and polar, with phenylalanine, which is neutral and non-polar, at codon 9 of the AP4M1 protein (p.Ser9Phe). This variant is present in population databases (rs751068724, gnomAD 0.004%). This missense change has been observed in individual(s) with AP4M1-related conditions (PMID: 32429945, 33287870). ClinVar contains an entry for this variant (Variation ID: 560945). Invitae Evidence Modeling of protein sequence and biophysical properties (such as structural, functional, and spatial information, amino acid conservation, physicochemical variation, residue mobility, and thermodynamic stability) has been performed for this missense variant. However, the output from this modeling did not meet the statistical confidence thresholds required to predict the impact of this variant on AP4M1 protein function. In summary, the available evidence is currently insufficient to determine the role of this variant in disease. Therefore, it has been classified as a Variant of Uncertain Significance.

Mayo Clinic Laboratories, Mayo Clinic
Classification: Uncertain significance. Last evaluated: 2021-03-02. Review status: criteria provided, single submitter. Criteria: ACMG Guidelines, 2015. Collection method: clinical testing. Allele origin: germline. Observed: 1 variant allele.

Baylor Genetics
Classification: Uncertain significance for Hereditary spastic paraplegia 50. Last evaluated: 2017-09-01. Review status: criteria provided, single submitter. Criteria: ACMG Guidelines, 2015. Collection method: clinical testing. Allele origin: maternal. Inheritance: Autosomal recessive inheritance. Affected: yes.

Literature cited by the submitters: PubMed 32429945 (cited by Labcorp Genetics (formerly Invitae), Labcorp); PubMed 33287870 (cited by Labcorp Genetics (formerly Invitae), Labcorp); PubMed 25326635 (cited by Baylor Genetics).